The following is an entry in ClinVar:

NM_015100.4(POGZ):c.213TAG[1] (p.Ser74del)

Gene: POGZ (pogo transposable element derived with ZNF domain; minus strand). Cytogenetic location: 1q21.3.
Variant type: Microsatellite.
Coding change: c.213TAG[1] on transcript NM_015100.4 (MANE Select); one copy of the 3-base unit TAG starting at c.213; the reference has two copies in a row; one copy, 3 bases deleted.
Protein change: p.Ser74del; deletes serine 74.
Molecular consequence: inframe deletion. On other transcripts: intron variant (2).
Genome position (GRCh38, 1-based): chr1:151,440,993-151,440,995, CTA deleted on the plus strand (TAG on the coding strand, the reverse complement: POGZ is on the minus strand); deleting any 3 consecutive bases within chr1:151,440,993-151,440,998 gives the same sequence; the position shown is the placement nearest the transcript's 3' end. VCF-style (leftmost placement, unchanged base first): chr1-151440992-GCTA-G. GRCh37 (hg19) VCF-style: chr1-151413468-GCTA-G.
Other names: c.213TAG[1], p.Ser74del (NM_001194937.2, NM_145796.4); c.234TAG[1], p.Ser81del (NM_001410860.1); c.124+1086_124+1088del (NM_001194938.2, NM_207171.2); short protein forms S74del, S81del.
Identifiers: ClinVar variation 2663277 (VCV002663277.1), dbSNP rs2529679182, ClinGen allele CA2695199873.
Genomic context (GRCh38, chr1:151,440,992, plus strand): 5'-GTTGTTGGCAATTAGTGTGACAAGAGTCTTCTTTGTACTGTCGCTGTTCTGTGCCCCGCT[GCTA>G]CTAACGGTGGTGGATGTAGAGAGGTGCCCAGCAACAGAAGCATGGGCAGCGATGGGCACT-3'

ClinVar aggregate classification (germline): Uncertain significance (1 of 4 stars; one submission).

Submission:

GeneDx
Classification: Uncertain significance. Last evaluated: 2023-10-10. Review status: criteria provided, single submitter. Criteria: GeneDx Variant Classification Process June 2021. Collection method: clinical testing. Allele origin: germline. Affected: yes.
Comment: Not observed at significant frequency in large population cohorts (gnomAD); In-frame deletion of 1 amino acid in a non-repeat region; In silico analysis supports that this variant does not alter protein structure/function; Has not been previously published as pathogenic or benign to our knowledge